The following is an entry in ClinVar:

ClinVar aggregate classification (germline): Uncertain significance (1 of 4 stars; one submission).

Allele frequency attached by ClinVar (database versions not stated): gnomAD 0.00001 and 0.00002; TOPMed 0.00002; gnomAD exomes 0.00003.
gnomAD v4.1: 43 of 1,483,430 alleles (0.0029%); highest among the groups gnomAD compares: Non-Finnish European, 0.0034%; no homozygotes.

Submission:

Labcorp Genetics (formerly Invitae), Labcorp
Classification: Uncertain significance. Last evaluated: 2022-08-21. Review status: criteria provided, single submitter. Criteria: Invitae Variant Classification Sherloc (09022015). Collection method: clinical testing. Allele origin: germline.
Comment: This sequence change replaces arginine, which is basic and polar, with cysteine, which is neutral and slightly polar, at codon 72 of the P3H2 protein (p.Arg72Cys). This variant is not present in population databases (gnomAD no frequency). This variant has not been reported in the literature in individuals affected with P3H2-related conditions. ClinVar contains an entry for this variant (Variation ID: 1396982). Algorithms developed to predict the effect of missense changes on protein structure and function are either unavailable or do not agree on the potential impact of this missense change (SIFT: "Deleterious"; PolyPhen-2: "Possibly Damaging"; Align-GVGD: "Class C0"). In summary, the available evidence is currently insufficient to determine the role of this variant in disease. Therefore, it has been classified as a Variant of Uncertain Significance.

NM_018192.4(P3H2):c.214C>T (p.Arg72Cys)

Gene: P3H2 (prolyl 3-hydroxylase 2; minus strand). Cytogenetic location: 3q28.
Variant type: single nucleotide variant.
Coding change: c.214C>T on transcript NM_018192.4 (MANE Select); coding-DNA position 214, C replaced by T.
Protein change: p.Arg72Cys; replaces arginine 72 with cysteine.
Molecular consequence: missense variant. On other transcripts: intron variant (1).
Genome position (GRCh38, 1-based): chr3:190,120,518, G>A on the plus strand (C>T on the coding strand, the complement: P3H2 is on the minus strand). VCF-style: chr3-190120518-G-A. GRCh37 (hg19) VCF-style: chr3-189838307-G-A.
Other names: c.-64+1685C>T (NM_001134418.2); short protein forms R72C.
Identifiers: ClinVar variation 1396982 (VCV001396982.4), dbSNP rs937420511, ClinGen allele CA90197224.
Genomic context (GRCh38, chr3:190,120,518, plus strand): 5'-GGCGCGCCGCGCAGTGGCGGGCACAGCGCGTGCGGATTTCCCGCAGGCGCCGGTGGCTGC[G>A]CAGCGCCGCTTCCAAGTCGCGCACCGCTCGCTCGTAGTCTCCGCTGTAGTAGGCGGCCGC-3'
Protein context (NP_060662.2, residues 62-82): RAVRDLEAAL[Arg72Cys]SHRRLREIRT